The following is an entry in ClinVar:

ClinVar aggregate classification (germline): Conflicting classifications of pathogenicity. Review status: criteria provided, conflicting classifications (1 of 4 stars). 3 submissions from 3 submitters: Uncertain significance (1); Likely benign (1). 1 of the submissions does not count toward it. Last evaluated 2021-08-04.

Conditions:
Inborn genetic diseases. Identifiers: MedGen C0950123, MeSH D030342.

gnomAD v4.1: 1 of 929,075 alleles (0.00011%); highest among the groups gnomAD compares: Non-Finnish European, 0.00013%; no homozygotes.

Submissions (3):

Ambry Genetics
Classification: Uncertain significance for Inborn genetic diseases. Last evaluated: 2021-08-04. Review status: criteria provided, single submitter. Criteria: Ambry Variant Classification Scheme 2023. Collection method: clinical testing. Allele origin: germline.
Comment: The c.216C>A (p.S72R) alteration is located in exon 2 (coding exon 2) of the ARX gene. This alteration results from a C to A substitution at nucleotide position 216, causing the serine (S) at amino acid position 72 to be replaced by an arginine (R). This variant was not reported in population-based cohorts in the Genome Aggregation Database (gnomAD), however there is low coverage at this position. This amino acid position is not well conserved in available vertebrate species. This missense alteration is located in a region that has a low rate of benign missense variation (Lek, 2016; Firth, 2009). This alteration is predicted to be tolerated by in silico analysis. Based on insufficient or conflicting evidence, the clinical significance of this alteration remains unclear.

Genetic Services Laboratory, University of Chicago
Classification: Likely benign. Last evaluated: 2017-06-22. Review status: criteria provided, single submitter. Criteria: ACMG Guidelines, 2015. Collection method: clinical testing. Allele origin: germline. Affected: no.

Genomic Diagnostic Laboratory, Division of Genomic Diagnostics, Children's Hospital of Philadelphia
Classification: Likely benign. Last evaluated: 2015-01-30. Review status: no assertion criteria provided. Collection method: clinical testing. Allele origin: germline. Not counted in ClinVar's aggregate classification.

NM_139058.3(ARX):c.216C>A (p.Ser72Arg)

Gene: ARX (aristaless related homeobox; minus strand). Cytogenetic location: Xp21.3.
Variant type: single nucleotide variant.
Coding change: c.216C>A on transcript NM_139058.3 (MANE Select); coding-DNA position 216, C replaced by A.
Protein change: p.Ser72Arg; replaces serine 72 with arginine.
Molecular consequence: missense variant.
Genome position (GRCh38, 1-based): chrX:25,013,779, G>T on the plus strand (C>A on the coding strand, the complement: ARX is on the minus strand). VCF-style: chrX-25013779-G-T. GRCh37 (hg19) VCF-style: chrX-25031896-G-T.
Other names: short protein forms S72R.
Identifiers: ClinVar variation 157752 (VCV000157752.8), dbSNP rs587783195, ClinGen allele CA171148.